The following is an entry in ClinVar:

NM_058216.3(RAD51C):c.489T>C (p.Ser163=)

Gene: RAD51C (RAD51 paralog C; plus strand). Cytogenetic location: 17q22.
Variant type: single nucleotide variant.
Coding change: c.489T>C on transcript NM_058216.3 (MANE Select); coding-DNA position 489, T replaced by C.
Protein change: p.Ser163=; no amino-acid change (serine 163 retained).
Molecular consequence: synonymous variant.
Genome position (GRCh38, 1-based): chr17:58,696,777, T>C. VCF-style: chr17-58696777-T-C. GRCh37 (hg19) VCF-style: chr17-56774138-T-C.
Identifiers: ClinVar variation 628506 (VCV000628506.36), dbSNP rs876659719, ClinGen allele CA501074969.

ClinVar aggregate classification (germline): Benign/Likely benign. Review status: criteria provided, multiple submitters, no conflicts (2 of 4 stars). 5 submissions from 5 submitters: Benign (1); Likely benign (4). Last evaluated 2025-02-18.

Conditions:
Hereditary cancer-predisposing syndrome. Also called: Hereditary Cancer Syndrome; Tumor predisposition; Hereditary neoplastic syndrome; Neoplastic Syndromes, Hereditary. Identifiers: Orphanet 140162, MedGen C0027672, MeSH D009386, MONDO:0015356.
Fanconi anemia complementation group O. Also called: RAD51C-Related Fanconi Anemia. Identifiers: Orphanet 84, MedGen C3150653, MONDO:0013248, OMIM 613390.
Breast-ovarian cancer, familial, susceptibility to, 3. Also called: RAD51C-Related Breast/Ovarian Cancer. Identifiers: Orphanet 145, MedGen C3150659, MONDO:0013253, OMIM 613399.

Submissions (5):

Myriad Genetics, Inc.
Classification: Benign for Breast-ovarian cancer, familial, susceptibility to, 3. Last evaluated: 2025-02-18. Review status: criteria provided, single submitter. Criteria: Myriad Autosomal Dominant, Autosomal Recessive and X-Linked Classification Criteria (2023). Collection method: clinical testing. Allele origin: unknown.
Comment: This variant is considered benign. This variant is a silent/synonymous amino acid change and it is not expected to impact splicing.

Labcorp Genetics (formerly Invitae), Labcorp
Classification: Likely benign for Fanconi anemia complementation group O. Last evaluated: 2024-03-30. Review status: criteria provided, single submitter. Criteria: Invitae Variant Classification Sherloc (09022015). Collection method: clinical testing. Allele origin: germline.

CeGaT Center for Human Genetics Tuebingen
Classification: Likely benign. Last evaluated: 2023-11-01. Review status: criteria provided, single submitter. Criteria: CeGaT Center For Human Genetics Tuebingen Variant Classification Criteria Version 2. Collection method: clinical testing. Allele origin: germline. Affected: yes. Observed: 1 variant allele.
Comment: RAD51C: PM2:Supporting, BP4, BP7

Ambry Genetics
Classification: Likely benign for Hereditary cancer-predisposing syndrome. Last evaluated: 2020-12-30. Review status: criteria provided, single submitter. Criteria: Ambry Variant Classification Scheme 2023. Collection method: clinical testing. Allele origin: germline.

Color Diagnostics, LLC DBA Color Health
Classification: Likely benign for Hereditary cancer-predisposing syndrome. Last evaluated: 2018-05-30. Review status: criteria provided, single submitter. Criteria: ACMG Guidelines, 2015. Collection method: clinical testing. Allele origin: germline.